The following is an entry in ClinVar:

NM_032130.3(FAM186B):c.1494_1495insGAT (p.Glu498_Met499insAsp)

Gene: FAM186B (family with sequence similarity 186 member B; minus strand). Cytogenetic location: 12q13.12.
Variant type: Insertion.
Coding change: c.1494_1495insGAT on transcript NM_032130.3 (MANE Select); coding-DNA positions 1494 to 1495, GAT inserted.
Protein change: p.Glu498_Met499insAsp.
Molecular consequence: inframe insertion. On other transcripts: non-coding transcript variant (1).
Genome position: GRCh38 VCF-style: chr12-49600145-T-TATC. GRCh37 (hg19) VCF-style: chr12-49993928-T-TATC.
Identifiers: ClinVar variation 4742860 (VCV004742860.1).
Genomic context (GRCh38, chr12:49,600,145, plus strand): 5'-GCAGCTTCTCCTGATGCTCCTGCTCCAGCAGGGCCCACTTCTTCTGCCGCTGCTGCCACA[T>TATC]CTCCTCCTCCTCCAGCCACAGCTGCCTCCGCATCTCCCGGCCGAATTCCTCCTCCCAGGG-3'

ClinVar aggregate classification (germline): Uncertain significance (1 of 4 stars; one submission).

Submission:

Labcorp Genetics (formerly Invitae), Labcorp
Classification: Uncertain significance. Last evaluated: 2025-06-12. Review status: criteria provided, single submitter. Criteria: Invitae Variant Classification Sherloc (09022015). Collection method: clinical testing. Allele origin: germline.
Comment: This variant, c.1494_1495insGAT, results in the insertion of 1 amino acid(s) of the FAM186B protein (p.Glu498_Met499insAsp), but otherwise preserves the integrity of the reading frame. This variant is present in population databases (rs772737486, gnomAD 0.05%). This variant has not been reported in the literature in individuals affected with FAM186B-related conditions. Experimental studies and prediction algorithms are not available or were not evaluated, and the functional significance of this variant is currently unknown. In summary, the available evidence is currently insufficient to determine the role of this variant in disease. Therefore, it has been classified as a Variant of Uncertain Significance.